The following is an entry in ClinVar:

NM_003072.5(SMARCA4):c.892A>T (p.Thr298Ser)

Gene: SMARCA4 (SWI/SNF related BAF chromatin remodeling complex subunit ATPase 4; plus strand). Cytogenetic location: 19p13.2.
Variant type: single nucleotide variant.
Coding change: c.892A>T on transcript NM_003072.5 (MANE Select); coding-DNA position 892, A replaced by T.
Protein change: p.Thr298Ser; replaces threonine 298 with serine.
Molecular consequence: missense variant. On other transcripts: non-coding transcript variant (1).
Genome position (GRCh38, 1-based): chr19:10,987,698, A>T. VCF-style: chr19-10987698-A-T. GRCh37 (hg19) VCF-style: chr19-11098374-A-T.
Other names: c.892A>T, p.Thr298Ser (NM_001128847.4, NM_001128848.2, NM_001128849.3 and 5 more transcripts); short protein forms T298S.
Identifiers: ClinVar variation 238527 (VCV000238527.15), dbSNP rs878854244, ClinGen allele CA10583723.

ClinVar aggregate classification (germline): Conflicting classifications of pathogenicity. Review status: criteria provided, conflicting classifications (1 of 4 stars). 3 submissions from 3 submitters: Uncertain significance (2); Likely benign (1). Last evaluated 2022-05-24.

Conditions:
Hereditary cancer-predisposing syndrome. Also called: Neoplastic Syndromes, Hereditary; Hereditary neoplastic syndrome; Tumor predisposition; Hereditary Cancer Syndrome. Identifiers: Orphanet 140162, MedGen C0027672, MeSH D009386, MONDO:0015356.
Intellectual disability, autosomal dominant 16 (CSS4). Also called: COFFIN-SIRIS SYNDROME 4. Identifiers: Orphanet 1465, MedGen C3553249, MONDO:0013821, OMIM 614609.
Rhabdoid tumor predisposition syndrome 2 (RTPS2). Identifiers: Orphanet 231108, Orphanet 69077, MedGen C2750074, MONDO:0013224, OMIM 613325.

Allele frequency attached by ClinVar (database versions not stated): gnomAD exomes below 0.00001.

Submissions (3):

Ambry Genetics
Classification: Likely benign for Hereditary cancer-predisposing syndrome. Last evaluated: 2022-05-24. Review status: criteria provided, single submitter. Criteria: Ambry Variant Classification Scheme 2023. Collection method: clinical testing. Allele origin: germline.

Genome-Nilou Lab
Classification: Uncertain significance for Intellectual disability, autosomal dominant 16. Last evaluated: 2021-07-15. Review status: criteria provided, single submitter. Criteria: ACMG Guidelines, 2015. Collection method: clinical testing. Allele origin: germline. Affected: no.

Labcorp Genetics (formerly Invitae), Labcorp
Classification: Uncertain significance for Rhabdoid tumor predisposition syndrome 2. Last evaluated: 2021-02-13. Review status: criteria provided, single submitter. Criteria: Invitae Variant Classification Sherloc (09022015). Collection method: clinical testing. Allele origin: germline.
Comment: Algorithms developed to predict the effect of missense changes on protein structure and function (SIFT, PolyPhen-2, Align-GVGD) all suggest that this variant is likely to be tolerated, but these predictions have not been confirmed by published functional studies and their clinical significance is uncertain. This variant has not been reported in the literature in individuals with SMARCA4-related disease. ClinVar contains an entry for this variant (Variation ID: 238527). This variant is not present in population databases (ExAC no frequency). This sequence change replaces threonine with serine at codon 298 of the SMARCA4 protein (p.Thr298Ser). The threonine residue is moderately conserved and there is a small physicochemical difference between threonine and serine. In summary, the available evidence is currently insufficient to determine the role of this variant in disease. Therefore, it has been classified as a Variant of Uncertain Significance.